The following is an entry in ClinVar:

ClinVar aggregate classification (germline): Uncertain significance (1 of 4 stars; one submission).

Allele frequency attached by ClinVar (database versions not stated): TOPMed below 0.00001; gnomAD 0.00002; ExAC 0.00003.
gnomAD v4.1: 12 of 1,614,086 alleles (0.00074%); highest among the groups gnomAD compares: African/African-American, 0.0067%; no homozygotes.

Submission:

Labcorp Genetics (formerly Invitae), Labcorp
Classification: Uncertain significance. Last evaluated: 2025-04-28. Review status: criteria provided, single submitter. Criteria: Invitae Variant Classification Sherloc (09022015). Collection method: clinical testing. Allele origin: germline.
Comment: This sequence change replaces arginine, which is basic and polar, with histidine, which is basic and polar, at codon 227 of the HYLS1 protein (p.Arg227His). This variant is present in population databases (rs756716912, gnomAD 0.007%). This variant has not been reported in the literature in individuals affected with HYLS1-related conditions. ClinVar contains an entry for this variant (Variation ID: 1932143). An algorithm developed to predict the effect of missense changes on protein structure and function (PolyPhen-2) suggests that this variant is likely to be disruptive. In summary, the available evidence is currently insufficient to determine the role of this variant in disease. Therefore, it has been classified as a Variant of Uncertain Significance.

NM_001134793.2(HYLS1):c.680G>A (p.Arg227His)

Genes: HYLS1 (HYLS1 centriolar and ciliogenesis associated; plus strand), PUS3 (pseudouridine synthase 3; minus strand). Cytogenetic location: 11q24.2.
Variant type: single nucleotide variant.
Coding change: c.680G>A on transcript NM_001134793.2 (MANE Select); coding-DNA position 680, G replaced by A.
Protein change: p.Arg227His; replaces arginine 227 with histidine.
Molecular consequence: missense variant. On other transcripts: intron variant (2).
Genome position (GRCh38, 1-based): chr11:125,900,048, G>A. VCF-style: chr11-125900048-G-A. GRCh37 (hg19) VCF-style: chr11-125769943-G-A.
Other names: c.680G>A, p.Arg227His (NM_001377269.1, NM_001377270.1, NM_001424364.1 and 1 more transcripts); c.-247+3122C>T (NM_001271985.2); c.-47+3122C>T (NM_031307.4); short protein forms R227H.
Identifiers: ClinVar variation 1932143 (VCV001932143.3), dbSNP rs756716912, ClinGen allele CA6350753.